The following is an entry in ClinVar:

ClinVar aggregate classification (germline): Likely pathogenic (1 of 4 stars; one submission).

Conditions:
Telangiectasia, hereditary hemorrhagic, type 1 (HHT1). Also called: Osler Weber Rendu syndrome type 1; ENG-Related Hereditary Hemorrhagic Telangiectasia. Identifiers: Orphanet 774, MedGen C4551861, MONDO:0008535, OMIM 187300. Disease mechanism: loss of function.

Submission:

Impact Genetics, Dynacare/LabCorp
Classification: Likely pathogenic for Telangiectasia, hereditary hemorrhagic, type 1. Last evaluated: 2024-05-26. Review status: criteria provided, single submitter. Criteria: DeMille et al. (Hum Mutat. 2024). Collection method: clinical testing. Allele origin: germline.
Comment: PVS1, PM2_supporting

NM_001114753.3(ENG):c.1501_1502dup (p.Gly502fs)

Genes: ENG (endoglin; minus strand), LOC102723566 (uncharacterized LOC102723566; plus strand). Cytogenetic location: 9q34.11.
Variant type: Duplication.
Coding change: c.1501_1502dup on transcript NM_001114753.3 (MANE Select); coding-DNA positions 1501 to 1502, 2 bases duplicated (GG; older notation c.1501_1502dupGG).
Protein change: p.Gly502fs; shifts the reading frame from glycine 502.
Molecular consequence: frameshift variant.
Genome position (GRCh38, 1-based): chr9:127,818,304-127,818,305, CC duplicated on the plus strand (GG on the coding strand, the reverse complement: ENG is on the minus strand); duplicating any 2 consecutive bases within chr9:127,818,304-127,818,306 gives the same sequence; the c. name uses the placement nearest the transcript's 3' end. VCF-style (leftmost placement, unchanged base first): chr9-127818303-T-TCC. GRCh37 (hg19) VCF-style: chr9-130580582-T-TCC.
Other names: c.1501_1502dup, p.Gly502fs (NM_000118.4); c.955_956dup, p.Gly320fs (NM_001278138.2); short protein forms G320fs, G502fs.
Identifiers: ClinVar variation 4082246 (VCV004082246.1).